The following is an entry in ClinVar:

ClinVar aggregate classification (germline): Pathogenic. Review status: criteria provided, multiple submitters, no conflicts (2 of 4 stars). 3 submissions from 3 submitters: Pathogenic (3). Last evaluated 2024-01-28.

Conditions:
Hereditary nonpolyposis colorectal neoplasms. Identifiers: MedGen C0009405, MeSH D003123.
Lynch syndrome 5 (LYNCH5). Also called: Colorectal cancer, hereditary nonpolyposis, type 5; Hereditary non-polyposis colorectal cancer, type 5. Identifiers: Orphanet 144, MedGen C1833477, MONDO:0013710, OMIM 614350. Disease mechanism: loss of function.
Hereditary cancer-predisposing syndrome. Also called: Tumor predisposition; Hereditary Cancer Syndrome; Neoplastic Syndromes, Hereditary; Hereditary neoplastic syndrome. Identifiers: Orphanet 140162, MedGen C0027672, MeSH D009386, MONDO:0015356.

Submissions (3):

Labcorp Genetics (formerly Invitae), Labcorp
Classification: Pathogenic for Hereditary nonpolyposis colorectal neoplasms. Last evaluated: 2024-01-28. Review status: criteria provided, single submitter. Criteria: Invitae Variant Classification Sherloc (09022015). Collection method: clinical testing. Allele origin: germline.
Comment: This sequence change creates a premature translational stop signal (p.Trp912*) in the MSH6 gene. It is expected to result in an absent or disrupted protein product. Loss-of-function variants in MSH6 are known to be pathogenic (PMID: 18269114, 24362816). This variant is not present in population databases (gnomAD no frequency). This variant has not been reported in the literature in individuals affected with MSH6-related conditions. ClinVar contains an entry for this variant (Variation ID: 821737). For these reasons, this variant has been classified as Pathogenic.

Myriad Genetics, Inc.
Classification: Pathogenic for Lynch syndrome 5. Last evaluated: 2023-08-18. Review status: criteria provided, single submitter. Criteria: Myriad Autosomal Dominant, Autosomal Recessive and X-Linked Classification Criteria (2023). Collection method: clinical testing. Allele origin: unknown.
Comment: This variant is considered pathogenic. This variant creates a termination codon and is predicted to result in premature protein truncation.

Ambry Genetics
Classification: Pathogenic for Hereditary cancer-predisposing syndrome. Last evaluated: 2022-01-11. Review status: criteria provided, single submitter. Criteria: Ambry Variant Classification Scheme 2023. Collection method: clinical testing. Allele origin: germline.
Comment: The p.W912* pathogenic mutation (also known as c.2736G>A), located in coding exon 4 of the MSH6 gene, results from a G to A substitution at nucleotide position 2736. This changes the amino acid from a tryptophan to a stop codon within coding exon 4. In one case control study, this alteration was detected in 1/2222 individuals with invasive epithelial ovarian cancer and 0/1528 matched controls. (Song H et al. Hum Mol Genet, 2014 Sep;23:4703-9). This variant is considered to be rare based on population cohorts in the Genome Aggregation Database (gnomAD). In addition to the clinical data presented in the literature, this alteration is expected to result in loss of function by premature protein truncation or nonsense-mediated mRNA decay. As such, this alteration is interpreted as a disease-causing mutation.

Literature cited by the submitters: PubMed 18269114 (cited by Labcorp Genetics (formerly Invitae), Labcorp); PubMed 24362816 (cited by Labcorp Genetics (formerly Invitae), Labcorp); PubMed 24728189 (cited by Ambry Genetics).

NM_000179.3(MSH6):c.2736G>A (p.Trp912Ter)

Gene: MSH6 (mutS homolog 6; plus strand). Cytogenetic location: 2p16.3.
Variant type: single nucleotide variant.
Coding change: c.2736G>A on transcript NM_000179.3 (MANE Select); coding-DNA position 2736, G replaced by A.
Protein change: p.Trp912Ter; replaces tryptophan 912 with a stop codon.
Molecular consequence: nonsense.
Genome position (GRCh38, 1-based): chr2:47,800,719, G>A. VCF-style: chr2-47800719-G-A. GRCh37 (hg19) VCF-style: chr2-48027858-G-A.
Other names: c.2346G>A, p.Trp782Ter (NM_001281492.2); c.1830G>A, p.Trp610Ter (NM_001281493.2, NM_001281494.2); short protein forms W912*, W610*, W782*.
Identifiers: ClinVar variation 821737 (VCV000821737.10), dbSNP rs1572728472, ClinGen allele CA346755386.
Genomic context (GRCh38, chr2:47,800,719, plus strand): 5'-TCTGCAGACAAAAAATCCTGAAGGTCGTTTTCCTGATTTGACTGTAGAATTGAACCGATG[G>A]GATACAGCCTTTGACCATGAAAAGGCTCGAAAGACTGGACTTATTACTCCCAAAGCAGGC-3'